The following is an entry in ClinVar:

NM_020699.4(GATAD2B):c.434G>T (p.Arg145Ile)

Gene: GATAD2B (GATA zinc finger domain containing 2B; minus strand). Cytogenetic location: 1q21.3.
Variant type: single nucleotide variant.
Coding change: c.434G>T on transcript NM_020699.4 (MANE Select); coding-DNA position 434, G replaced by T.
Protein change: p.Arg145Ile; replaces arginine 145 with isoleucine.
Molecular consequence: missense variant.
Genome position (GRCh38, 1-based): chr1:153,819,637, C>A on the plus strand (G>T on the coding strand, the complement: GATAD2B is on the minus strand). VCF-style: chr1-153819637-C-A. GRCh37 (hg19) VCF-style: chr1-153792113-C-A.
Other names: short protein forms R145I.
Identifiers: ClinVar variation 4874786 (VCV004874786.2).

ClinVar aggregate classification (germline): Uncertain significance (1 of 4 stars; one submission).

Submission:

CeGaT Center for Human Genetics Tuebingen
Classification: Uncertain significance. Last evaluated: 2026-04-01. Review status: criteria provided, single submitter. Criteria: CeGaT Center For Human Genetics Tuebingen Variant Classification Criteria Version 2. Collection method: clinical testing. Allele origin: germline. Affected: yes. Observed: 1 variant allele.
Comment: GATAD2B: PM2